The following is an entry in ClinVar:

ClinVar aggregate classification (germline): Conflicting classifications of pathogenicity. Review status: criteria provided, conflicting classifications (1 of 4 stars). 4 submissions from 4 submitters: Uncertain significance (1); Likely benign (3). Last evaluated 2026-01-28.

Conditions:
Autosomal recessive nonsyndromic hearing loss 77. Identifiers: Orphanet 90636, MedGen C2746083, MONDO:0013119, OMIM 613079.

Allele frequency attached by ClinVar (database versions not stated): gnomAD 0.00005 and 0.00006; gnomAD exomes 0.00007; TOPMed 0.00008; ESP Exome Variant Server 0.00022.
gnomAD v4.1: 101 of 1,551,594 alleles (0.0065%); highest among the groups gnomAD compares: East Asian, 0.012%; no homozygotes.

Submissions (4):

Labcorp Genetics (formerly Invitae), Labcorp
Classification: Likely benign. Last evaluated: 2026-01-28. Review status: criteria provided, single submitter. Criteria: Invitae Variant Classification Sherloc (09022015). Collection method: clinical testing. Allele origin: germline.

Blueprint Genetics
Classification: Likely benign. Last evaluated: 2024-10-07. Review status: criteria provided, single submitter. Criteria: ACMG Guidelines, 2015. Collection method: clinical testing. Allele origin: germline.

Illumina Laboratory Services, Illumina
Classification: Uncertain significance for Autosomal recessive nonsyndromic hearing loss 77. Last evaluated: 2018-01-12. Review status: criteria provided, single submitter. Criteria: ICSL Variant Classification Criteria 13 December 2019. Collection method: clinical testing. Allele origin: germline.

Laboratory for Molecular Medicine, Mass General Brigham Personalized Medicine
Classification: Likely benign. Last evaluated: 2016-04-07. Review status: criteria provided, single submitter. Criteria: LMM Criteria. Collection method: clinical testing. Allele origin: germline. Observed: 1 variant allele.
Comment: p.Tyr1578Tyr in exon 30 of LOXHD1: This variant is not expected to have clinical significance because it does not alter an amino acid residue and is not located within the splice consensus sequence.

NM_001384474.1(LOXHD1):c.4734C>T (p.Tyr1578=)

Gene: LOXHD1 (lipoxygenase homology PLAT domains 1; minus strand). Cytogenetic location: 18q21.1.
Variant type: single nucleotide variant.
Coding change: c.4734C>T on transcript NM_001384474.1 (MANE Select); coding-DNA position 4734, C replaced by T.
Protein change: p.Tyr1578=; no amino-acid change (tyrosine 1578 retained).
Molecular consequence: synonymous variant.
Genome position (GRCh38, 1-based): chr18:46,524,714, G>A on the plus strand (C>T on the coding strand, the complement: LOXHD1 is on the minus strand). VCF-style: chr18-46524714-G-A. GRCh37 (hg19) VCF-style: chr18-44104677-G-A.
Other names: c.1401C>T, p.Tyr467= (NM_001145472.3); c.1113C>T, p.Tyr371= (NM_001308013.2); c.4734C>T, p.Tyr1578= (NM_144612.7).
Identifiers: ClinVar variation 227525 (VCV000227525.17), dbSNP rs376338995, ClinGen allele CA10577072.